The following is an entry in ClinVar:

ClinVar aggregate classification (germline): Uncertain significance (1 of 4 stars; one submission).

Submission:

Labcorp Genetics (formerly Invitae), Labcorp
Classification: Uncertain significance. Last evaluated: 2021-09-03. Review status: criteria provided, single submitter. Criteria: Invitae Variant Classification Sherloc (09022015). Collection method: clinical testing. Allele origin: germline.
Comment: This variant has not been reported in the literature in individuals affected with AEBP1-related conditions. This variant is not present in population databases (ExAC no frequency). This sequence change replaces threonine with asparagine at codon 857 of the AEBP1 protein (p.Thr857Asn). The threonine residue is moderately conserved and there is a small physicochemical difference between threonine and asparagine. In summary, the available evidence is currently insufficient to determine the role of this variant in disease. Therefore, it has been classified as a Variant of Uncertain Significance. Algorithms developed to predict the effect of missense changes on protein structure and function are either unavailable or do not agree on the potential impact of this missense change (SIFT: "Tolerated"; PolyPhen-2: "Possibly Damaging"; Align-GVGD: "Class C0").

NM_001129.5(AEBP1):c.2570C>A (p.Thr857Asn)

Gene: AEBP1 (AE binding protein 1; plus strand). Cytogenetic location: 7p13.
Variant type: single nucleotide variant.
Coding change: c.2570C>A on transcript NM_001129.5 (MANE Select); coding-DNA position 2570, C replaced by A.
Protein change: p.Thr857Asn; replaces threonine 857 with asparagine.
Molecular consequence: missense variant.
Genome position (GRCh38, 1-based): chr7:44,112,991, C>A. VCF-style: chr7-44112991-C-A. GRCh37 (hg19) VCF-style: chr7-44152590-C-A.
Other names: short protein forms T857N.
Identifiers: ClinVar variation 1379434 (VCV001379434.6), dbSNP rs2128809301, ClinGen allele CA367371788.